The following is an entry in ClinVar:

NM_004415.4(DSP):c.995A>G (p.Glu332Gly)

Gene: DSP (desmoplakin; plus strand). Cytogenetic location: 6p24.3.
Variant type: single nucleotide variant.
Coding change: c.995A>G on transcript NM_004415.4 (MANE Select); coding-DNA position 995, A replaced by G.
Protein change: p.Glu332Gly; replaces glutamic acid 332 with glycine.
Molecular consequence: missense variant.
Genome position (GRCh38, 1-based): chr6:7,566,432, A>G. VCF-style: chr6-7566432-A-G. GRCh37 (hg19) VCF-style: chr6-7566665-A-G.
Other names: c.995A>G, p.Glu332Gly (NM_001008844.3, NM_001319034.2); short protein forms E332G.
Identifiers: ClinVar variation 977181 (VCV000977181.1), dbSNP rs1758866750, ClinGen allele CA362674867.

ClinVar aggregate classification (germline): Uncertain significance (0 of 4 stars; one submission).

Conditions:
Sudden unexplained death. Identifiers: MedGen C0520806.

Submission:

Agnes Ginges Centre for Molecular Cardiology, Centenary Institute
Classification: Uncertain significance for Sudden unexplained death. Last evaluated: 2020-04-06. Review status: no assertion criteria provided. Collection method: research. Allele origin: germline. Inheritance: Autosomal dominant inheritance. Affected: yes.
Comment: DSP Glu332Gly has not been previously reported and is absent in the Genome Aggregation Database. In silico tools PolyPhen2, MutationTaster and CADD predict this variant to be deleterious however SIFT predicts this variant to be "tolerate". Based on this evidence we classify DSP Glu332Gly as a variant of 'uncertain significance'.